The following is an entry in ClinVar:

NM_000503.6(EYA1):c.1166A>G (p.Asp389Gly)

Gene: EYA1 (EYA transcriptional coactivator and phosphatase 1; minus strand). Cytogenetic location: 8q13.3.
Variant type: single nucleotide variant.
Coding change: c.1166A>G on transcript NM_000503.6 (MANE Select); coding-DNA position 1166, A replaced by G.
Protein change: p.Asp389Gly; replaces aspartic acid 389 with glycine.
Molecular consequence: missense variant.
Genome position (GRCh38, 1-based): chr8:71,216,998, T>C on the plus strand (A>G on the coding strand, the complement: EYA1 is on the minus strand). VCF-style: chr8-71216998-T-C. GRCh37 (hg19) VCF-style: chr8-72129233-T-C.
Other names: c.1148A>G, p.Asp383Gly (NM_001288574.2, NM_172059.5); c.800A>G, p.Asp267Gly (NM_001288575.2); c.1253A>G, p.Asp418Gly (NM_001370333.1); c.1166A>G, p.Asp389Gly (NM_001370334.1, NM_001370335.1, NM_172058.4); c.1145A>G, p.Asp382Gly (NM_001370336.1); c.1067A>G, p.Asp356Gly (NM_001411797.1, NM_172060.4); short protein forms D267G, D356G, D382G, D383G, D389G, D418G.
Identifiers: ClinVar variation 3901577 (VCV003901577.1).

ClinVar aggregate classification (germline): Uncertain significance (1 of 4 stars; one submission).

Submission:

GeneDx
Classification: Uncertain significance. Last evaluated: 2024-11-22. Review status: criteria provided, single submitter. Criteria: GeneDx Variant Classification Process June 2021. Collection method: clinical testing. Allele origin: germline. Affected: yes.
Comment: Not observed at significant frequency in large population cohorts (gnomAD); In silico analysis supports that this missense variant has a deleterious effect on protein structure/function; Has not been previously published as pathogenic or benign to our knowledge